The following is an entry in ClinVar:

ClinVar aggregate classification (germline): Likely benign (0 of 4 stars; one submission).

Conditions:
SEMA3B-related disorder. Also called: SEMA3B-related condition.

gnomAD v4.1: 1 of 1,612,430 alleles (0.000062%); highest among the groups gnomAD compares: Non-Finnish European, 0.000085%; no homozygotes.

Submission:

PreventionGenetics, part of Exact Sciences
Classification: Likely benign for SEMA3B-related condition. Last evaluated: 2021-10-08. Review status: no assertion criteria provided. Collection method: clinical testing. Allele origin: germline.
Comment: This variant is classified as likely benign based on ACMG/AMP sequence variant interpretation guidelines (Richards et al. 2015 PMID: 25741868, with internal and published modifications).

NM_001290060.2(SEMA3B):c.813C>T (p.Asn271=)

Gene: SEMA3B (semaphorin 3B; plus strand). Cytogenetic location: 3p21.31.
Variant type: single nucleotide variant.
Coding change: c.813C>T on transcript NM_001290060.2 (MANE Select); coding-DNA position 813, C replaced by T.
Protein change: p.Asn271=; no amino-acid change (asparagine 271 retained).
Molecular consequence: synonymous variant. On other transcripts: 5 prime UTR variant (2), non-coding transcript variant (1).
Genome position (GRCh38, 1-based): chr3:50,273,537, C>T. VCF-style: chr3-50273537-C-T. GRCh37 (hg19) VCF-style: chr3-50310968-C-T.
Other names: c.813C>T, p.Asn271= (NM_001005914.3, NM_001290061.1, NM_004636.4); c.-214C>T (NM_001290062.2); c.-217C>T (NM_001290063.2).
Identifiers: ClinVar variation 3354859 (VCV003354859.1).